The following is an entry in ClinVar:

NM_024721.5(ZFHX4):c.9989T>C (p.Leu3330Pro)

Gene: ZFHX4 (zinc finger homeobox 4; plus strand). Cytogenetic location: 8q21.13.
Variant type: single nucleotide variant.
Coding change: c.9989T>C on transcript NM_024721.5 (MANE Select); coding-DNA position 9989, T replaced by C.
Protein change: p.Leu3330Pro; replaces leucine 3330 with proline.
Molecular consequence: missense variant.
Genome position (GRCh38, 1-based): chr8:76,863,703, T>C. VCF-style: chr8-76863703-T-C. GRCh37 (hg19) VCF-style: chr8-77775939-T-C.
Other names: c.9911T>C, p.Leu3304Pro (NM_001410934.1); short protein forms L3330P, L3304P.
Identifiers: ClinVar variation 3193078 (VCV003193078.2), dbSNP rs752394642, ClinGen allele CA4788477.

ClinVar aggregate classification (germline): Uncertain significance. Review status: criteria provided, multiple submitters, no conflicts (2 of 4 stars). 2 submissions from 2 submitters: Uncertain significance (2). Last evaluated 2026-08-06.

Conditions:
ZFHX4-related disorder. Also called: ZFHX4-related condition.

Allele frequency attached by ClinVar (database versions not stated): gnomAD 0.00001; TOPMed 0.00001; ExAC 0.00002.
gnomAD v4.1: 4 of 1,577,324 alleles (0.00025%); highest among the groups gnomAD compares: Admixed American, 0.0038%; no homozygotes.

Submissions (2):

PreventionGenetics, part of Exact Sciences
Classification: Uncertain significance for ZFHX4-related condition. Last evaluated: 2026-08-06. Review status: criteria provided, single submitter. Criteria: ACMG Guidelines, 2015. Collection method: clinical testing. Allele origin: germline.
Comment: The ZFHX4 c.9989T>C variant is predicted to result in the amino acid substitution p.Leu3330Pro. To our knowledge, this variant has not been reported in the literature or in a large population database (gnomAD) indicating this variant is rare. At this time, the clinical significance of this variant is uncertain due to the absence of conclusive functional and genetic evidence.

Ambry Genetics
Classification: Uncertain significance. Last evaluated: 2022-06-24. Review status: criteria provided, single submitter. Criteria: Ambry Variant Classification Scheme 2023. Collection method: clinical testing. Allele origin: germline.